The following is an entry in ClinVar:

ClinVar aggregate classification (germline): Uncertain significance (1 of 4 stars; one submission).

Submission:

Ambry Genetics
Classification: Uncertain significance. Last evaluated: 2024-08-09. Review status: criteria provided, single submitter. Criteria: Ambry Variant Classification Scheme 2023. Collection method: clinical testing. Allele origin: germline.
Comment: The p.P43A variant (also known as c.127C>G), located in coding exon 2 of the KIF1B gene, results from a C to G substitution at nucleotide position 127. The proline at codon 43 is replaced by alanine, an amino acid with highly similar properties. This amino acid position is conserved. In addition, the in silico prediction for this alteration is inconclusive. Based on the available evidence, the clinical significance of this variant remains unclear.

NM_001365951.3(KIF1B):c.127C>G (p.Pro43Ala)

Gene: KIF1B (kinesin family member 1B; plus strand). Cytogenetic location: 1p36.22.
Variant type: single nucleotide variant.
Coding change: c.127C>G on transcript NM_001365951.3 (MANE Select); coding-DNA position 127, C replaced by G.
Protein change: p.Pro43Ala; replaces proline 43 with alanine.
Molecular consequence: missense variant.
Genome position (GRCh38, 1-based): chr1:10,256,267, C>G. VCF-style: chr1-10256267-C-G. GRCh37 (hg19) VCF-style: chr1-10316325-C-G.
Other names: c.127C>G, p.Pro43Ala (NM_001365952.1, NM_001365953.1, NM_015074.3 and 1 more transcripts); short protein forms P43A.
Identifiers: ClinVar variation 3533970 (VCV003533970.1).
Genomic context (GRCh38, chr1:10,256,267, plus strand): 5'-AATTGAGTGACTTATAAAATGAAACATTTTTATCTTCTAGGTATTATTAACCCAAAGAAT[C>G]CAAAGGAAGCTCCAAAGTCCTTCAGCTTCGACTATTCCTACTGGTCTCATACCTCAGTGA-3'
Protein context (NP_001352880.1, residues 33-53): NSTSIINPKN[Pro43Ala]KEAPKSFSFD